The following is an entry in ClinVar:

NM_003366.4(UQCRC2):c.1261A>T (p.Asn421Tyr)

Genes: PDZD9 (PDZ domain containing 9), UQCRC2 (ubiquinol-cytochrome c reductase core protein 2). Cytogenetic location: 16p12.2.
Variant type: single nucleotide variant.
Coding change: c.1261A>T on transcript NM_003366.4 (MANE Select); coding-DNA position 1261, A replaced by T.
Protein change: p.Asn421Tyr; replaces asparagine 421 with tyrosine.
Molecular consequence: missense variant.
Genome position (GRCh38, 1-based): chr16:21,980,683, A>T. VCF-style: chr16-21980683-A-T. GRCh37 (hg19) VCF-style: chr16-21992004-A-T.
Other names: short protein forms N421Y.
Identifiers: ClinVar variation 4530795 (VCV004530795.1).

ClinVar aggregate classification (germline): Uncertain significance (1 of 4 stars; one submission).

gnomAD v4.1: 18 of 1,613,532 alleles (0.0011%); highest among the groups gnomAD compares: African/African-American, 0.0053%; no homozygotes.

Submission:

GeneDx
Classification: Uncertain significance. Last evaluated: 2025-05-21. Review status: criteria provided, single submitter. Criteria: GeneDx Variant Classification Process June 2021. Collection method: clinical testing. Allele origin: germline. Affected: yes.
Comment: Not observed at significant frequency in large population cohorts (gnomAD); In silico analysis suggests that this missense variant does not alter protein structure/function; Has not been previously published as pathogenic or benign to our knowledge